The following is an entry in ClinVar:

ClinVar aggregate classification (germline): Benign/Likely benign. Review status: criteria provided, multiple submitters, no conflicts (2 of 4 stars). 26 submissions from 19 submitters: Benign (17); Likely benign (4). 5 of the submissions do not count toward it. Last evaluated 2026-02-03.

Conditions:
Dilated cardiomyopathy 1G (CMD1G). Identifiers: Orphanet 154, MedGen C1858763, MONDO:0011400, OMIM 604145.
Autosomal recessive limb-girdle muscular dystrophy type 2J (LGMDR10). Also called: MUSCULAR DYSTROPHY, LIMB-GIRDLE, AUTOSOMAL RECESSIVE 10; Limb-girdle muscular dystrophy, type 2J. Identifiers: Orphanet 140922, MedGen C1837342, MONDO:0012127, OMIM 608807.
Cardiovascular phenotype. Identifiers: MedGen CN230736.
Cardiomyopathy (CMYO). Also called: Cardiomyopathies. Identifiers: Orphanet 167848, MedGen C0878544, MONDO:0004994, HP:0001638. Inheritance: Various modes of inheritance.
Early-onset myopathy with fatal cardiomyopathy (CMYO5). Also called: CONGENITAL MYOPATHY 5 WITH CARDIOMYOPATHY; Salih Myopathy. Identifiers: Orphanet 289377, MedGen C2673677, MONDO:0012714, OMIM 611705. Disease mechanism: loss of function.
Tibial muscular dystrophy (TMD). Also called: Udd Distal Myopathy – Tibial Muscular Dystrophy; Tibial muscular dystrophy, tardive; UDD MYOPATHY. Identifiers: Orphanet 609, MedGen C1838244, MONDO:0010870, OMIM 600334.
Myopathy, myofibrillar, 9, with early respiratory failure (MFM9). Also called: Myopathy, distal, with early respiratory failure, autosomal dominant; Hereditary myopathy with early respiratory failure; MYOPATHY, PROXIMAL, WITH EARLY RESPIRATORY MUSCLE INVOLVEMENT; EDSTROM MYOPATHY. Identifiers: Orphanet 178464, Orphanet 34521, MedGen C1863599, MONDO:0011362, OMIM 603689.

Allele frequency attached by ClinVar (database versions not stated): gnomAD exomes 0.00222 and 0.00372; ExAC 0.00432; 1000 Genomes Project 0.00599; 1000 Genomes Project 30x 0.00593; TOPMed 0.00108; gnomAD 0.00183 and 0.00111; ESP Exome Variant Server 0.00150.
gnomAD v4.1: 3,572 of 1,613,720 alleles (0.22%); highest among the groups gnomAD compares: South Asian, 2.1%; 53 homozygotes.

Submissions (26):

Labcorp Genetics (formerly Invitae), Labcorp
Classification: Benign for Dilated cardiomyopathy 1G; Autosomal recessive limb-girdle muscular dystrophy type 2J. Last evaluated: 2026-02-03. Review status: criteria provided, single submitter. Criteria: Invitae Variant Classification Sherloc (09022015). Collection method: clinical testing. Allele origin: germline.

ARUP Laboratories, Molecular Genetics and Genomics, ARUP Laboratories
Classification: Benign. Last evaluated: 2025-06-23. Review status: criteria provided, single submitter. Criteria: ARUP Molecular Germline Variant Investigation Process 2024. Collection method: clinical testing. Allele origin: germline.

Molecular Diagnostic Laboratory for Inherited Cardiovascular Disease, Montreal Heart Institute
Classification: Benign. Last evaluated: 2025-04-09. Review status: criteria provided, single submitter. Criteria: ACMG Guidelines, 2015. Collection method: clinical testing. Allele origin: germline. Affected: no.

Athena Diagnostics
Classification: Benign. Last evaluated: 2025-01-21. Review status: criteria provided, single submitter. Criteria: Athena Diagnostics Criteria. Collection method: clinical testing. Allele origin: unknown.
Comment: The frequency of this variant in the general population is higher than would generally be expected for pathogenic variants in this gene.

Mayo Clinic Laboratories, Mayo Clinic
Classification: Benign. Last evaluated: 2023-06-16. Review status: criteria provided, single submitter. Criteria: ACMG Guidelines, 2015. Collection method: clinical testing. Allele origin: germline. Observed: 8 variant alleles.
Comment: BS1, BS2

CHEO Genetics Diagnostic Laboratory, Children's Hospital of Eastern Ontario
Classification: Benign for Cardiomyopathy. Last evaluated: 2022-11-18. Review status: criteria provided, single submitter. Criteria: ACMG Guidelines, 2015. Collection method: clinical testing. Allele origin: germline.

Genome-Nilou Lab
Classification: Benign for Autosomal recessive limb-girdle muscular dystrophy type 2J. Last evaluated: 2021-09-10. Review status: criteria provided, single submitter. Criteria: ACMG Guidelines, 2015. Collection method: clinical testing. Allele origin: germline. Affected: no.

Genome-Nilou Lab
Classification: Benign for Myopathy, myofibrillar, 9, with early respiratory failure. Last evaluated: 2021-09-10. Review status: criteria provided, single submitter. Criteria: ACMG Guidelines, 2015. Collection method: clinical testing. Allele origin: germline. Affected: no.

Genome-Nilou Lab
Classification: Benign for Early-onset myopathy with fatal cardiomyopathy. Last evaluated: 2021-09-10. Review status: criteria provided, single submitter. Criteria: ACMG Guidelines, 2015. Collection method: clinical testing. Allele origin: germline. Affected: no.

Genome-Nilou Lab
Classification: Benign for Tibial muscular dystrophy. Last evaluated: 2021-09-10. Review status: criteria provided, single submitter. Criteria: ACMG Guidelines, 2015. Collection method: clinical testing. Allele origin: germline. Affected: no.

Women's Health and Genetics/Laboratory Corporation of America, LabCorp
Classification: Benign. Last evaluated: 2020-01-06. Review status: criteria provided, single submitter. Criteria: LabCorp Variant Classification Summary - May 2015. Collection method: clinical testing. Allele origin: germline.

Illumina Laboratory Services, Illumina
Classification: Benign for Tibial muscular dystrophy. Last evaluated: 2018-01-12. Review status: criteria provided, single submitter. Criteria: ICSL Variant Classification Criteria 13 December 2019. Collection method: clinical testing. Allele origin: germline.
Comment: This variant was observed in the ICSL laboratory as part of a predisposition screen in an ostensibly healthy population. It had not been previously curated by ICSL or reported in the Human Gene Mutation Database (HGMD: prior to June 1st, 2018), and was therefore a candidate for classification through an automated scoring system. Utilizing variant allele frequency, disease prevalence and penetrance estimates, and inheritance mode, an automated score was calculated to assess if this variant is too frequent to cause the disease. Based on the score and internal cut-off values, a variant classified as benign is not then subjected to further curation. The score for this variant resulted in a classification of benign for this disease.

Illumina Laboratory Services, Illumina
Classification: Likely benign for Early-onset myopathy with fatal cardiomyopathy. Last evaluated: 2018-01-12. Review status: criteria provided, single submitter. Criteria: ICSL Variant Classification Criteria 13 December 2019. Collection method: clinical testing. Allele origin: germline.
Comment: This variant was observed in the ICSL laboratory as part of a predisposition screen in an ostensibly healthy population. It had not been previously curated by ICSL or reported in the Human Gene Mutation Database (HGMD: prior to June 1st, 2018), and was therefore a candidate for classification through an automated scoring system. Utilizing variant allele frequency, disease prevalence and penetrance estimates, and inheritance mode, an automated score was calculated to assess if this variant is too frequent to cause the disease. Based on the score and internal cut-off values, a variant classified as likely benign is not then subjected to further curation. The score for this variant resulted in a classification of likely benign for this disease.

Illumina Laboratory Services, Illumina
Classification: Likely benign for Dilated cardiomyopathy 1G. Last evaluated: 2018-01-12. Review status: criteria provided, single submitter. Criteria: ICSL Variant Classification Criteria 13 December 2019. Collection method: clinical testing. Allele origin: germline.
Comment: the same text as in the submission from Illumina Laboratory Services, Illumina above.

Illumina Laboratory Services, Illumina
Classification: Benign for Myopathy, myofibrillar, 9, with early respiratory failure. Last evaluated: 2018-01-12. Review status: criteria provided, single submitter. Criteria: ICSL Variant Classification Criteria 13 December 2019. Collection method: clinical testing. Allele origin: germline.
Comment: the same text as in the submission from Illumina Laboratory Services, Illumina above.

Illumina Laboratory Services, Illumina
Classification: Likely benign for Autosomal recessive limb-girdle muscular dystrophy type 2J. Last evaluated: 2018-01-12. Review status: criteria provided, single submitter. Criteria: ICSL Variant Classification Criteria 13 December 2019. Collection method: clinical testing. Allele origin: germline.
Comment: the same text as in the submission from Illumina Laboratory Services, Illumina above.

Ambry Genetics
Classification: Benign for Cardiovascular phenotype. Last evaluated: 2016-01-06. Review status: criteria provided, single submitter. Criteria: Ambry Variant Classification Scheme 2023. Collection method: clinical testing. Allele origin: germline.

Eurofins Ntd Llc (ga)
Classification: Benign. Last evaluated: 2015-09-01. Review status: criteria provided, single submitter. Criteria: EGL Classification Definitions 2015. Collection method: clinical testing. Allele origin: germline. Observed: 1 variant allele, 1 heterozygote.

Laboratory for Molecular Medicine, Mass General Brigham Personalized Medicine
Classification: Benign. Last evaluated: 2015-04-28. Review status: criteria provided, single submitter. Criteria: LMM Criteria. Collection method: clinical testing. Allele origin: germline. Observed: 14 variant alleles.
Comment: p.Ser27430Ser in exon 284 of TTN: This variant is not expected to have clinical significance because it has been identified in 2.3% (384/16500) of South Asian c hromosomes, including 8 homozygotes, by the Exome Aggregation Consortium (ExAC; dbSNP rs142891278).

GeneDx
Classification: Benign. Last evaluated: 2012-12-19. Review status: criteria provided, single submitter. Criteria: GeneDx Variant Classification (06012015). Collection method: clinical testing. Allele origin: germline. Affected: yes.
Comment: This variant is considered likely benign or benign based on one or more of the following criteria: it is a conservative change, it occurs at a poorly conserved position in the protein, it is predicted to be benign by multiple in silico algorithms, and/or has population frequency not consistent with disease.

Breakthrough Genomics
Classification: Likely benign. Review status: criteria provided, single submitter. Criteria: ACMG Guidelines, 2015. Collection method: not provided. Allele origin: germline. Inheritance: Autosomal recessive inheritance. Affected: yes.

Clinical Genetics DNA and cytogenetics Diagnostics Lab, Erasmus MC, Erasmus Medical Center
Classification: Likely benign. Review status: no assertion criteria provided. Collection method: clinical testing. Allele origin: germline. Affected: yes. Study: VKGL Data-share Consensus. Not counted in ClinVar's aggregate classification.

Clinical Genetics, Academic Medical Center
Classification: Benign. Review status: no assertion criteria provided. Collection method: clinical testing. Allele origin: germline. Affected: yes. Study: VKGL Data-share Consensus. Not counted in ClinVar's aggregate classification.

Diagnostic Laboratory, Department of Genetics, University Medical Center Groningen
Classification: Likely benign. Review status: no assertion criteria provided. Collection method: clinical testing. Allele origin: germline. Affected: yes. Study: VKGL Data-share Consensus. Not counted in ClinVar's aggregate classification.

Joint Genome Diagnostic Labs from Nijmegen and Maastricht, Radboudumc and MUMC+
Classification: Benign. Review status: no assertion criteria provided. Collection method: clinical testing. Allele origin: germline. Affected: yes. Study: VKGL Data-share Consensus. Not counted in ClinVar's aggregate classification.

Laboratory of Diagnostic Genome Analysis, Leiden University Medical Center (LUMC)
Classification: Likely benign. Review status: no assertion criteria provided. Collection method: clinical testing. Allele origin: germline. Affected: yes. Study: VKGL Data-share Consensus. Not counted in ClinVar's aggregate classification.

NM_001267550.2(TTN):c.89994G>A (p.Ser29998=)

Genes: TTN (titin; minus strand), TTN-AS1 (TTN antisense RNA 1; plus strand). Cytogenetic location: 2q31.2.
Variant type: single nucleotide variant.
Coding change: c.89994G>A on transcript NM_001267550.2 (MANE Select); coding-DNA position 89994, G replaced by A.
Protein change: p.Ser29998=; no amino-acid change (serine 29998 retained).
Molecular consequence: synonymous variant.
Genome position (GRCh38, 1-based): chr2:178,552,906, C>T on the plus strand (G>A on the coding strand, the complement: TTN is on the minus strand). VCF-style: chr2-178552906-C-T. GRCh37 (hg19) VCF-style: chr2-179417633-C-T.
Other names: p.S28357S:TCG>TCA; p.Ser28357=; c.85071G>A, p.Ser28357= (NM_001256850.1); c.62799G>A, p.Ser20933= (NM_003319.4); c.82290G>A, p.Ser27430= (NM_133378.4); c.63174G>A, p.Ser21058= (NM_133432.3); c.63375G>A, p.Ser21125= (NM_133437.4).
Identifiers: ClinVar variation 47494 (VCV000047494.51), dbSNP rs142891278, ClinGen allele CA284010.